The following is an entry in ClinVar:

NM_000540.3(RYR1):c.4759G>C (p.Ala1587Pro)

Gene: RYR1 (ryanodine receptor 1; plus strand). Cytogenetic location: 19q13.2.
Variant type: single nucleotide variant.
Coding change: c.4759G>C on transcript NM_000540.3 (MANE Select); coding-DNA position 4759, G replaced by C.
Protein change: p.Ala1587Pro; replaces alanine 1587 with proline.
Molecular consequence: missense variant.
Genome position (GRCh38, 1-based): chr19:38,483,341, G>C. VCF-style: chr19-38483341-G-C. GRCh37 (hg19) VCF-style: chr19-38973981-G-C.
Other names: c.4759G>C, p.Ala1587Pro (NM_001042723.2); short protein forms A1587P.
Identifiers: ClinVar variation 2442647 (VCV002442647.3), dbSNP rs1030955858, ClinGen allele CA405650338.

ClinVar aggregate classification (germline): Uncertain significance. Review status: criteria provided, multiple submitters, no conflicts (2 of 4 stars). 2 submissions from 2 submitters: Uncertain significance (2). Last evaluated 2025-06-19.

Conditions:
Malignant hyperthermia, susceptibility to, 1 (MHS1). Also called: RYR1-Related Malignant Hyperthermia Susceptibility; Malignant hyperthermia suceptibility 1; Anesthesia related hyperthermia; Malignant hyperpyrexia; Fulminating hyperpyrexia; Pharmacogenic myopathy. Identifiers: Orphanet 423, MedGen C2930980, MONDO:0007783, OMIM 145600.

gnomAD v4.1: 2 of 1,560,066 alleles (0.00013%); highest among the groups gnomAD compares: Non-Finnish European, 0.00017%; no homozygotes.

Submissions (2):

Color Diagnostics, LLC DBA Color Health
Classification: Uncertain significance for Malignant hyperthermia, susceptibility to, 1. Last evaluated: 2025-06-19. Review status: criteria provided, single submitter. Criteria: ACMG Guidelines, 2015. Collection method: clinical testing. Allele origin: germline.
Comment: This missense variant replaces alanine with proline at codon 1587 of the RYR1 protein. Computational prediction suggests that this variant may not impact protein structure and function. To our knowledge, functional studies have not been reported for this variant. This variant has not been reported in individuals affected with RYR1-related malignant hyperthermia susceptibility in the literature. This variant has not been identified in the general population by the Genome Aggregation Database (gnomAD). The available evidence is insufficient to determine the role of this variant in disease conclusively. Therefore, this variant is classified as a Variant of Uncertain Significance.

GeneDx
Classification: Uncertain significance. Last evaluated: 2025-01-31. Review status: criteria provided, single submitter. Criteria: GeneDx Variant Classification Process June 2021. Collection method: clinical testing. Allele origin: germline. Affected: yes.
Comment: Observed with a second RYR1 variant on the opposite allele (in trans) in a patient with hyperCKemia and cramps in published literature (PMID: 37510298); Not observed at significant frequency in large population cohorts (gnomAD); In silico analysis indicates that this missense variant does not alter protein structure/function; This variant is associated with the following publications: (PMID: 37510298)